The following is an entry in ClinVar:

NM_000083.3(CLCN1):c.697-620T>G

Gene: CLCN1 (chloride voltage-gated channel 1; plus strand). Cytogenetic location: 7q34.
Variant type: single nucleotide variant.
Coding change: c.697-620T>G on transcript NM_000083.3 (MANE Select); 620 bases into the intron before coding-DNA position 697, T replaced by G.
Molecular consequence: intron variant.
Genome position (GRCh38, 1-based): chr7:143,322,689, T>G. VCF-style: chr7-143322689-T-G. GRCh37 (hg19) VCF-style: chr7-143019782-T-G.
Identifiers: ClinVar variation 4075396 (VCV004075396.1).

ClinVar aggregate classification (germline): Likely pathogenic (1 of 4 stars; one submission).

Conditions:
Congenital myotonia, autosomal recessive form. Also called: BECKER DISEASE; Becker Generalized Myotonia; myotonia congenita, autosomal recessive. Identifiers: Orphanet 614, MedGen C0751360, MONDO:0009715, OMIM 255700.

Submission:

Costain lab, The Hospital for Sick Children
Classification: Likely pathogenic for Congenital myotonia, autosomal recessive form. Last evaluated: 2025-08-15. Review status: criteria provided, single submitter. Criteria: ACMG Guidelines, 2015. Collection method: research. Allele origin: maternal. Inheritance: Autosomal recessive inheritance. Affected: yes. Observed: 1 compound heterozygote.
Comment: PS3 [RNA-sequencing on muscle biopsy sample confirmed aberrant inclusion of a 68 bp cryptic exon in intron 5 (GRCh38: chr7:143,322,618–143,322,684) located 5 bp downstream of the intronic variant], PM2, PM3 [in trans with NM_000083.3(CLCN1):c.871G>A (p.Glu291Lys), Variation ID: 17541, Accession: VCV000017541.22]. Details are published in report by Helal et al. (senior author: Dr. Grace Yoon).

Literature cited by the submitters: PubMed 31892348.